The following is an entry in ClinVar:

ClinVar aggregate classification (germline): Likely benign. Review status: criteria provided, multiple submitters, no conflicts (2 of 4 stars). 3 submissions from 3 submitters: Likely benign (3). Last evaluated 2025-06-20.

Conditions:
RHO-related disorder. Also called: RHO-related condition.

Allele frequency attached by ClinVar (database versions not stated): gnomAD 0.00005 and 0.00006; TOPMed 0.00005; gnomAD exomes 0.00006; ExAC 0.00007.
gnomAD v4.1: 40 of 1,614,100 alleles (0.0025%); highest among the groups gnomAD compares: Admixed American, 0.012%; 1 homozygote.

Submissions (3):

Labcorp Genetics (formerly Invitae), Labcorp
Classification: Likely benign. Last evaluated: 2025-06-20. Review status: criteria provided, single submitter. Criteria: Invitae Variant Classification Sherloc (09022015). Collection method: clinical testing. Allele origin: germline.

PreventionGenetics, part of Exact Sciences
Classification: Likely benign for RHO-related condition. Last evaluated: 2024-12-27. Review status: criteria provided, single submitter. Criteria: ACMG Guidelines, 2015. Collection method: clinical testing. Allele origin: germline.
Comment: This variant is classified as likely benign based on ACMG/AMP sequence variant interpretation guidelines (Richards et al. 2015 PMID: 25741868, with internal and published modifications).

Blueprint Genetics
Classification: Likely benign. Last evaluated: 2024-08-07. Review status: criteria provided, single submitter. Criteria: ACMG Guidelines, 2015. Collection method: clinical testing. Allele origin: germline.

NM_000539.3(RHO):c.144C>T (p.Ile48=)

Gene: RHO (rhodopsin; plus strand). Cytogenetic location: 3q22.1.
Variant type: single nucleotide variant.
Coding change: c.144C>T on transcript NM_000539.3 (MANE Select); coding-DNA position 144, C replaced by T.
Protein change: p.Ile48=; no amino-acid change (isoleucine 48 retained).
Molecular consequence: synonymous variant.
Genome position (GRCh38, 1-based): chr3:129,528,877, C>T. VCF-style: chr3-129528877-C-T. GRCh37 (hg19) VCF-style: chr3-129247720-C-T.
Identifiers: ClinVar variation 1131638 (VCV001131638.12), dbSNP rs756454203, ClinGen allele CA2607068.